The following is an entry in ClinVar:

ClinVar aggregate classification (germline): Uncertain significance (1 of 4 stars; one submission).

Submission:

GeneDx
Classification: Uncertain significance. Last evaluated: 2023-03-06. Review status: criteria provided, single submitter. Criteria: GeneDx Variant Classification Process June 2021. Collection method: clinical testing. Allele origin: germline. Affected: yes.
Comment: Not observed at significant frequency in large population cohorts (gnomAD); In silico analysis supports that this missense variant has a deleterious effect on protein structure/function; Has not been previously published as pathogenic or benign to our knowledge

NM_001042750.2(STAG2):c.3211C>T (p.Arg1071Trp)

Gene: STAG2 (STAG2 cohesin complex component; plus strand). Cytogenetic location: Xq25.
Variant type: single nucleotide variant.
Coding change: c.3211C>T on transcript NM_001042750.2 (MANE Select); coding-DNA position 3211, C replaced by T.
Protein change: p.Arg1071Trp; replaces arginine 1071 with tryptophan.
Molecular consequence: missense variant.
Genome position (GRCh38, 1-based): chrX:124,086,704, C>T. VCF-style: chrX-124086704-C-T. GRCh37 (hg19) VCF-style: chrX-123220554-C-T.
Other names: c.3211C>T, p.Arg1071Trp (NM_001042749.2, NM_001042751.2, NM_001282418.2 and 13 more transcripts); short protein forms R1071W.
Identifiers: ClinVar variation 2579572 (VCV002579572.1), dbSNP rs2059116377, ClinGen allele CA414281057.